The following is an entry in ClinVar:

ClinVar aggregate classification (germline): Uncertain significance (1 of 4 stars; one submission).

Submission:

Women's Health and Genetics/Laboratory Corporation of America, LabCorp
Classification: Uncertain significance. Last evaluated: 2025-09-09. Review status: criteria provided, single submitter. Criteria: LabCorp Variant Classification Summary - May 2015. Collection method: clinical testing. Allele origin: germline.
Comment: Variant summary: MSH6 c.3802-35_3803dup37 alters a nucleotide located close to a canonical splice site and therefore could affect mRNA splicing, leading to a significantly altered protein sequence.Several computational tools predict a significant impact on normal splicing: Two predict the variant creates a 5' donor site. Four predict the variant creates a 3' acceptor site. One predict the variant weakens a 3' acceptor site. However, these predictions have yet to be confirmed by functional studies. The variant was absent in 250912 control chromosomes. The available data on variant occurrences in the general population are insufficient to allow any conclusion about variant significance. To our knowledge, no occurrence of c.3802-35_3803dup37 in individuals affected with MSH6-related conditions and no experimental evidence demonstrating its impact on protein function have been reported. No submitters have cited clinical-significance assessments for this variant to ClinVar. Based on the evidence outlined above, the variant was classified as uncertain significance.

NM_000179.3(MSH6):c.3802-35_3803dup

Gene: MSH6 (mutS homolog 6; plus strand). Cytogenetic location: 2p16.3.
Variant type: Duplication.
Coding change: c.3802-35_3803dup on transcript NM_000179.3 (MANE Select); 35 bases into the intron before coding-DNA position 3802 through coding-DNA position 3803, 37 bases duplicated.
Molecular consequence: splice acceptor variant. On other transcripts: intron variant (2).
Genome position (GRCh38, 1-based): chr2:47,806,417-47,806,453, 37 bases duplicated; duplicating any 37 consecutive bases within chr2:47,806,415-47,806,453 gives the same sequence; the c. name uses the placement nearest the transcript's 3' end. GRCh37 (hg19): chr2:48,033,556-48,033,592.
Other names: c.3802-35_3803dup37 (NM_000179.3); c.3505-35_3506dup (NM_001406830.1, NM_001406805.1, NM_001406797.1 and 10 more transcripts); c.649-35_650dup (NM_001406832.1); c.583-35_584dup (NM_001406831.1); c.3802-35_3803dup (NM_001406809.1, NM_001406796.1, NM_001406808.1); c.2896-35_2897dup (NM_001406811.1, NM_001406814.1, NM_001281493.2 and 6 more transcripts); c.3898-35_3899dup (NM_001406795.1); c.3897+59_3897+95dup (NM_001406802.1); and 10 more.
Identifiers: ClinVar variation 4535637 (VCV004535637.1).